The following is an entry in ClinVar:

NM_006231.4(POLE):c.2865-3C>T

Gene: POLE (DNA polymerase epsilon, catalytic subunit; minus strand). Cytogenetic location: 12q24.33.
Variant type: single nucleotide variant.
Coding change: c.2865-3C>T on transcript NM_006231.4 (MANE Select); 3 bases into the intron before coding-DNA position 2865, C replaced by T.
Molecular consequence: intron variant.
Genome position (GRCh38, 1-based): chr12:132,661,167, G>A on the plus strand (C>T on the coding strand, the complement: POLE is on the minus strand). VCF-style: chr12-132661167-G-A. GRCh37 (hg19) VCF-style: chr12-133237753-G-A.
Other names: c.2865-3C>T (NM_006231.2).
Identifiers: ClinVar variation 473560 (VCV000473560.14), dbSNP rs1203095918, ClinGen allele CA482735128.

ClinVar aggregate classification (germline): Conflicting classifications of pathogenicity. Review status: criteria provided, conflicting classifications (1 of 4 stars). 3 submissions from 3 submitters: Uncertain significance (2); Likely benign (1). Last evaluated 2025-05-10.

Conditions:
Hereditary cancer-predisposing syndrome. Also called: Neoplastic Syndromes, Hereditary; Tumor predisposition; Hereditary Cancer Syndrome; Hereditary neoplastic syndrome. Identifiers: Orphanet 140162, MedGen C0027672, MeSH D009386, MONDO:0015356.
Colorectal cancer, susceptibility to, 12 (CRCS12). Also called: COLORECTAL CANCER, SUSCEPTIBILITY TO, ON CHROMOSOME 12q24. Identifiers: Orphanet 220460, MedGen C3554460, MONDO:0014038, OMIM 615083.

Submissions (3):

Ambry Genetics
Classification: Uncertain significance for Hereditary cancer-predisposing syndrome. Last evaluated: 2025-05-10. Review status: criteria provided, single submitter. Criteria: Ambry Variant Classification Scheme 2023. Collection method: clinical testing. Allele origin: germline.
Comment: The c.2865-3C>T intronic variant results from a C to T substitution 3 nucleotides upstream from coding exon 25 in the POLE gene. This nucleotide position is not well conserved in available vertebrate species. In silico splice site analysis predicts that this alteration will not have any significant effect on splicing. Based on the available evidence, the clinical significance of this variant remains unclear.

Labcorp Genetics (formerly Invitae), Labcorp
Classification: Uncertain significance. Last evaluated: 2019-09-26. Review status: criteria provided, single submitter. Criteria: Invitae Variant Classification Sherloc (09022015). Collection method: clinical testing. Allele origin: germline.
Comment: This sequence change falls in intron 24 of the POLE gene. It does not directly change the encoded amino acid sequence of the POLE protein, but it affects a nucleotide within the consensus splice site of the intron. This variant is not present in population databases (ExAC no frequency). This variant has not been reported in the literature in individuals with POLE-related conditions. ClinVar contains an entry for this variant (Variation ID: 473560). Nucleotide substitutions within the consensus splice site are a relatively common cause of aberrant splicing (PMID: 17576681, 9536098). Algorithms developed to predict the effect of sequence changes on RNA splicing suggest that this variant is not likely to affect RNA splicing, but this prediction has not been confirmed by published transcriptional studies. In summary, the available evidence is currently insufficient to determine the role of this variant in disease. Therefore, it has been classified as a Variant of Uncertain Significance.

Mendelics
Classification: Likely benign for Colorectal cancer, susceptibility to, 12. Last evaluated: 2019-05-28. Review status: criteria provided, single submitter. Criteria: Mendelics Assertion Criteria 2017. Collection method: clinical testing. Allele origin: unknown.

Literature cited by the submitters: PubMed 17576681 (cited by Labcorp Genetics (formerly Invitae), Labcorp); PubMed 9536098 (cited by Labcorp Genetics (formerly Invitae), Labcorp).